The following is an entry in ClinVar:

NM_138420.4(AHNAK2):c.6905G>A (p.Gly2302Glu)

Gene: AHNAK2 (AHNAK nucleoprotein 2; minus strand). Cytogenetic location: 14q32.33.
Variant type: single nucleotide variant.
Coding change: c.6905G>A on transcript NM_138420.4 (MANE Select); coding-DNA position 6905, G replaced by A.
Protein change: p.Gly2302Glu; replaces glycine 2302 with glutamic acid.
Molecular consequence: missense variant.
Genome position (GRCh38, 1-based): chr14:104,948,546, C>T on the plus strand (G>A on the coding strand, the complement: AHNAK2 is on the minus strand). VCF-style: chr14-104948546-C-T. GRCh37 (hg19) VCF-style: chr14-105414883-C-T.
Other names: c.6605G>A, p.Gly2202Glu (NM_001350929.2); short protein forms G2202E, G2302E.
Identifiers: ClinVar variation 2349374 (VCV002349374.26), dbSNP rs138867857, ClinGen allele CA7380872.

ClinVar aggregate classification (germline): Conflicting classifications of pathogenicity. Review status: criteria provided, conflicting classifications (1 of 4 stars). 2 submissions from 2 submitters: Uncertain significance (1); Likely benign (1). Last evaluated 2024-07-01.

Allele frequency attached by ClinVar (database versions not stated): 1000 Genomes Project 30x 0.00016; 1000 Genomes Project 0.00020; ExAC 0.00025; gnomAD 0.00026; TOPMed 0.00029; gnomAD exomes 0.00035.

Submissions (2):

CeGaT Center for Human Genetics Tuebingen
Classification: Likely benign. Last evaluated: 2024-07-01. Review status: criteria provided, single submitter. Criteria: CeGaT Center For Human Genetics Tuebingen Variant Classification Criteria Version 2. Collection method: clinical testing. Allele origin: germline. Affected: yes. Observed: 2 variant alleles.
Comment: AHNAK2: BP4

Ambry Genetics
Classification: Uncertain significance. Last evaluated: 2021-07-13. Review status: criteria provided, single submitter. Criteria: Ambry Variant Classification Scheme 2023. Collection method: clinical testing. Allele origin: germline.